The following is an entry in ClinVar:

NM_001037.5(SCN1B):c.253C>T (p.Arg85Cys)

Gene: SCN1B (sodium voltage-gated channel beta subunit 1; plus strand). Cytogenetic location: 19q13.11.
Variant type: single nucleotide variant.
Coding change: c.253C>T on transcript NM_001037.5 (MANE Select); coding-DNA position 253, C replaced by T.
Protein change: p.Arg85Cys; replaces arginine 85 with cysteine.
Molecular consequence: missense variant.
Genome position (GRCh38, 1-based): chr19:35,033,544, C>T. VCF-style: chr19-35033544-C-T. GRCh37 (hg19) VCF-style: chr19-35524448-C-T.
Other names: c.154C>T, p.Arg52Cys (NM_001321605.2); c.253C>T, p.Arg85Cys (NM_199037.5); short protein forms R85C, R52C.
Identifiers: ClinVar variation 190859 (VCV000190859.29), dbSNP rs786205830, ClinGen allele CA302153.
Genomic context (GRCh38, chr19:35,033,544, plus strand): 5'-CCTGGCTACCCCTAGATCCTGCGCTATGAGAATGAGGTGTTGCAGCTGGAGGAGGATGAG[C>T]GCTTCGAGGGCCGCGTGGTGTGGAATGGCAGCCGGGGCACCAAAGACCTGCAGGATCTGT-3'
Protein context (NP_001028.1, residues 75-95): NEVLQLEEDE[Arg85Cys]FEGRVVWNGS

ClinVar aggregate classification (germline): Pathogenic/Likely pathogenic. Review status: criteria provided, multiple submitters, no conflicts (2 of 4 stars). 5 submissions from 5 submitters: Pathogenic (2); Likely pathogenic (3). Last evaluated 2026-08-13.

Conditions:
Developmental and epileptic encephalopathy, 52 (DEE52). Also called: Epileptic encephalopathy, early infantile, 52. Identifiers: MedGen C4479236, MONDO:0033361, OMIM 617350.
Cardiovascular phenotype. Identifiers: MedGen CN230736.
Brugada syndrome 5 (BRGDA5). Identifiers: Orphanet 130, Orphanet 871, MedGen C2748541, MONDO:0013015, OMIM 612838.
Generalized epilepsy with febrile seizures plus, type 1 (GEFSP1). Also called: GEFS+, TYPE 1. Identifiers: Orphanet 36387, MedGen C1858672, MONDO:0011416, OMIM 604233.

Allele frequency attached by ClinVar (database versions not stated): gnomAD exomes 0.00001.
gnomAD v4.1: 8 of 1,613,960 alleles (0.0005%); highest among the groups gnomAD compares: Non-Finnish European, 0.00068%; no homozygotes.

Submissions (5):

Ambry Genetics
Classification: Likely pathogenic for Cardiovascular phenotype. Last evaluated: 2026-08-13. Review status: criteria provided, single submitter. Criteria: Ambry Variant Classification Scheme 2023. Collection method: clinical testing. Allele origin: germline.
Comment: The p.R85C variant (also known as c.253C>T), located in coding exon 3 of the SCN1B gene, results from a C to T substitution at nucleotide position 253. The arginine at codon 85 is replaced by cysteine, an amino acid with highly dissimilar properties. This variant has been reported to segregate with disease in a family with multiple individuals across generations affected with seizure disorders, ranging from isolated febrile seizures through generalized epilepsy with febrile seizures plus (GEFS+); however, no cardiac clinical information was provided (Scheffer IE et al. Brain, 2007 Jan;130:100-9). This variant has been reported to segregate with disease in a second family with multiple heterozygous individuals affected with febrile seizures and one homozygous individual affected with an early infantile developmental and epileptic encephalopathy (EIDEE) and no detected cardiac arrhythmias (Aeby A et al. Ann Clin Transl Neurol, 2019 12;6:2354-2367). Functional studies have demonstrated that this variant, as well as close match p.R85H, fails to properly regulate the electrophysiological properties of sodium channels (Xu R et al. Neuroscience, 2007 Aug;148:164-74). This amino acid position is highly conserved in available vertebrate species. In addition, this alteration is predicted to be deleterious by in silico analysis. Based on the supporting evidence, this alteration is likely pathogenic for autosomal dominant SCN1B-related epilepsy with febrile seizures; however, the association of this alteration with autosomal recessive early infantile epileptic encephalopathy and autosomal dominant Brugada syndrome is uncertain.

Labcorp Genetics (formerly Invitae), Labcorp
Classification: Pathogenic for Brugada syndrome 5. Last evaluated: 2025-10-26. Review status: criteria provided, single submitter. Criteria: Invitae Variant Classification Sherloc (09022015). Collection method: clinical testing. Allele origin: germline.
Comment: This sequence change replaces arginine, which is basic and polar, with cysteine, which is neutral and slightly polar, at codon 85 of the SCN1B protein (p.Arg85Cys). This variant is not present in population databases (gnomAD no frequency). This missense change has been observed in individuals with autosomal dominant generalized epilepsy with febrile seizures plus (GEFS+) and autosomal recessive epileptic encephalopathy with cerebellar atrophy (PMID: 17020904, 31709768; internal data). It has also been observed to segregate with disease in related individuals. ClinVar contains an entry for this variant (Variation ID: 190859). An algorithm developed to predict the effect of missense changes on protein structure and function (PolyPhen-2) suggests that this variant is likely to be disruptive. Experimental studies have shown that this missense change affects SCN1B function (PMID: 17629415, 31709768). This variant disrupts the p.Arg85 amino acid residue in SCN1B. Other variant(s) that disrupt this residue have been determined to be pathogenic (PMID: 17020904, 17629415, 19808477). This suggests that this residue is clinically significant, and that variants that disrupt this residue are likely to be disease-causing. For these reasons, this variant has been classified as Pathogenic.

Neuberg Centre For Genomic Medicine, NCGM
Classification: Pathogenic for Developmental and epileptic encephalopathy, 52. Last evaluated: 2023-02-14. Review status: criteria provided, single submitter. Criteria: ACMG Guidelines, 2015. Collection method: clinical testing. Allele origin: germline. Inheritance: Autosomal dominant inheritance. Affected: yes.
Comment: The missense c.253C>T(p.Arg85Cys) variant in SCN1B gene has been reported in heterozygous state in multiple individuals affected with SCN1B related disorders (Aeby A, et. al., 2019). Experimental studies have shown that this missense change affects SCN1B function (Xu R, et. al., 2007). The p.Arg85Cys variant is novel (not in any individuals) in gnomAD Exomes and 1000 Genomes. This variant has been reported to the ClinVar database as Uncertain Significance/Pathogenic/Likely pathogenic. The amino acid change p.Arg85Cys in SCN1B is predicted as conserved by GERP++ and PhyloP across 100 vertebrates. The amino acid Arg at position 85 is changed to a Cys changing protein sequence and it might alter its composition and physico-chemical properties. For these reasons, this variant has been classified as Likely Pathogenic.

AiLife Diagnostics
Classification: Likely pathogenic. Last evaluated: 2021-09-22. Review status: criteria provided, single submitter. Criteria: ACMG Guidelines, 2015. Collection method: clinical testing. Allele origin: germline. Affected: yes. Observed: 1 variant allele.

Genetic Services Laboratory, University of Chicago
Classification: Likely pathogenic for Epilepsy, generalized, with febrile seizures plus, type 1. Last evaluated: 2016-12-20. Review status: criteria provided, single submitter. Criteria: ACMG Guidelines, 2015. Collection method: clinical testing. Allele origin: germline. Affected: yes.

Literature cited by the submitters: PubMed 17020904 (cited by 3 submitters); PubMed 17629415 (cited by 3 submitters); PubMed 31709768 (cited by 3 submitters); PubMed 19808477 (cited by Labcorp Genetics (formerly Invitae), Labcorp); PubMed 28717674 (cited by AiLife Diagnostics); PubMed 32369273 (cited by AiLife Diagnostics); PubMed 17604911 (cited by AiLife Diagnostics).